The following is an entry in ClinVar:

ClinVar aggregate classification (germline): Uncertain significance. Review status: criteria provided, multiple submitters, no conflicts (2 of 4 stars). 3 submissions from 3 submitters: Uncertain significance (3). Last evaluated 2023-11-13.

Conditions:
Inborn genetic diseases. Identifiers: MedGen C0950123, MeSH D030342.
Joubert syndrome. Also called: Familial aplasia of the vermis; CEREBELLOPARENCHYMAL DISORDER IV; JOUBERT-BOLTSHAUSER SYNDROME. Identifiers: Orphanet 475, MedGen C5979921, MONDO:0018772.
Joubert syndrome 3 (JBTS3). Also called: AHI1-related Ciliopathy. Identifiers: Orphanet 220493, MedGen C1837713, MONDO:0012078, OMIM 608629.

Allele frequency attached by ClinVar (database versions not stated): gnomAD exomes below 0.00001 and 0.00001; ExAC 0.00001; gnomAD 0.00001; TOPMed 0.00001.
gnomAD v4.1: 5 of 1,613,838 alleles (0.00031%); highest among the groups gnomAD compares: Admixed American, 0.0033%; no homozygotes.

Submissions (3):

Ambry Genetics
Classification: Uncertain significance for Inborn genetic diseases. Last evaluated: 2023-11-13. Review status: criteria provided, single submitter. Criteria: Ambry Variant Classification Scheme 2023. Collection method: clinical testing. Allele origin: germline.

Labcorp Genetics (formerly Invitae), Labcorp
Classification: Uncertain significance for Joubert syndrome. Last evaluated: 2022-08-19. Review status: criteria provided, single submitter. Criteria: Invitae Variant Classification Sherloc (09022015). Collection method: clinical testing. Allele origin: germline.
Comment: This sequence change replaces glutamine, which is neutral and polar, with proline, which is neutral and non-polar, at codon 162 of the AHI1 protein (p.Gln162Pro). This variant is present in population databases (rs770822998, gnomAD 0.007%). This variant has not been reported in the literature in individuals affected with AHI1-related conditions. ClinVar contains an entry for this variant (Variation ID: 965222). Advanced modeling of protein sequence and biophysical properties (such as structural, functional, and spatial information, amino acid conservation, physicochemical variation, residue mobility, and thermodynamic stability) performed at Invitae indicates that this missense variant is not expected to disrupt AHI1 protein function. In summary, the available evidence is currently insufficient to determine the role of this variant in disease. Therefore, it has been classified as a Variant of Uncertain Significance.

Fulgent Genetics
Classification: Uncertain significance for Joubert syndrome 3. Last evaluated: 2021-09-28. Review status: criteria provided, single submitter. Criteria: ACMG Guidelines, 2015. Collection method: clinical testing. Allele origin: unknown.

NM_001134831.2(AHI1):c.485A>C (p.Gln162Pro)

Gene: AHI1 (Abelson helper integration site 1; minus strand). Cytogenetic location: 6q23.3.
Variant type: single nucleotide variant.
Coding change: c.485A>C on transcript NM_001134831.2 (MANE Select); coding-DNA position 485, A replaced by C.
Protein change: p.Gln162Pro; replaces glutamine 162 with proline.
Molecular consequence: missense variant.
Genome position (GRCh38, 1-based): chr6:135,466,078, T>G on the plus strand (A>C on the coding strand, the complement: AHI1 is on the minus strand). VCF-style: chr6-135466078-T-G. GRCh37 (hg19) VCF-style: chr6-135787216-T-G.
Other names: c.485A>C, p.Gln162Pro (NM_001134830.2, NM_001134832.2, NM_001350503.2 and 2 more transcripts); short protein forms Q162P.
Identifiers: ClinVar variation 965222 (VCV000965222.9), dbSNP rs770822998, ClinGen allele CA4012824.
Genomic context (GRCh38, chr6:135,466,078, plus strand): 5'-AAATCAGTCTCTTCTCTTCCCTCATTTGCCTTCTCACTTTTCTGATGATCAACGCCTGGC[T>G]GTGGCTTTGTATGTGTTTTCTGGTGTGTAGAATCAACCTTATTCTCAGGAGTTTCCGGTT-3'
Protein context (NP_001128303.1, residues 152-172): STHQKTHTKP[Gln162Pro]PGVDHQKSEK